The following is an entry in ClinVar:

NM_001367805.3(KIF23):c.1115-8dup

Gene: KIF23 (kinesin family member 23; plus strand). Cytogenetic location: 15q23.
Variant type: Duplication.
Coding change: c.1115-8dup on transcript NM_001367805.3 (MANE Select); 8 bases into the intron before coding-DNA position 1115, one base duplicated (T; older notation c.1115-8dupT).
Molecular consequence: intron variant.
Genome position (GRCh38, 1-based): chr15:69,435,475, T duplicated; the last of 7 consecutive T bases (chr15:69,435,469-69,435,475); duplicating any one gives the same sequence. VCF-style (leftmost placement, unchanged base first): chr15-69435468-A-AT. GRCh37 (hg19) VCF-style: chr15-69727807-A-AT.
Other names: c.1073-8dup (NM_138555.4, NM_001367804.2, NM_004856.7); c.743-8dup (NM_001281301.2); c.1073-8dupT (NM_138555.3).
Identifiers: ClinVar variation 1643887 (VCV001643887.10), dbSNP rs201097666, ClinGen allele CA7635086.

ClinVar aggregate classification (germline): Benign. Review status: criteria provided, single submitter (1 of 4 stars). 2 submissions from 2 submitters: Benign (1). 1 of the submissions does not count toward it. Last evaluated 2026-02-03.

Conditions:
KIF23-related disorder. Also called: KIF23-related condition.

Submissions (2):

Labcorp Genetics (formerly Invitae), Labcorp
Classification: Benign. Last evaluated: 2026-02-03. Review status: criteria provided, single submitter. Criteria: Invitae Variant Classification Sherloc (09022015). Collection method: clinical testing. Allele origin: germline.

PreventionGenetics, part of Exact Sciences
Classification: Benign for KIF23-related condition. Last evaluated: 2019-03-28. Review status: no assertion criteria provided. Collection method: clinical testing. Allele origin: germline. Not counted in ClinVar's aggregate classification.
Comment: This variant is classified as benign based on ACMG/AMP sequence variant interpretation guidelines (Richards et al. 2015 PMID: 25741868, with internal and published modifications).